The following is an entry in ClinVar:

ClinVar aggregate classification (germline): Pathogenic (1 of 4 stars; one submission).

Submission:

CeGaT Center for Human Genetics Tuebingen
Classification: Pathogenic. Last evaluated: 2026-06-01. Review status: criteria provided, single submitter. Criteria: CeGaT Center For Human Genetics Tuebingen Variant Classification Criteria Version 2. Collection method: clinical testing. Allele origin: germline. Affected: yes. Observed: 4 variant alleles.
Comment: PRG4: PVS1, PM2, PM3

NM_005807.6(PRG4):c.2998_3001del (p.Lys1000fs)

Gene: PRG4 (proteoglycan 4; plus strand). Cytogenetic location: 1q31.1.
Variant type: Deletion.
Coding change: c.2998_3001del on transcript NM_005807.6 (MANE Select); coding-DNA positions 2998 to 3001, 4 bases deleted (AAAC; older notation c.2998_3001delAAAC).
Protein change: p.Lys1000fs; shifts the reading frame from lysine 1000.
Molecular consequence: frameshift variant.
Genome position (GRCh38, 1-based): chr1:186,308,717-186,308,720, AAAC deleted; deleting any 4 consecutive bases within chr1:186,308,714-186,308,720 gives the same sequence; the c. name uses the placement nearest the transcript's 3' end. VCF-style (leftmost placement, unchanged base first): chr1-186308713-GAACA-G. GRCh37 (hg19) VCF-style: chr1-186277845-GAACA-G.
Other names: c.2875_2878del, p.Lys959fs (NM_001127708.3); c.2719_2722del, p.Lys907fs (NM_001127709.3); c.2596_2599del, p.Lys866fs (NM_001127710.3); c.2869_2872del, p.Lys957fs (NM_001303232.2); short protein forms K1000fs, K866fs, K907fs, K957fs, K959fs.
Identifiers: ClinVar variation 1176527 (VCV001176527.35), dbSNP rs778569928, ClinGen allele CA1296531.